The following is an entry in ClinVar:

ClinVar aggregate classification (germline): Pathogenic/Likely pathogenic. Review status: criteria provided, multiple submitters, no conflicts (2 of 4 stars). 2 submissions from 2 submitters: Pathogenic (1); Likely pathogenic (1). Last evaluated 2024-12-15.

Conditions:
Primary hyperoxaluria, type II (HP2). Also called: OXALOSIS II; Primary hyperoxaluria type 2; D-GLYCERATE DEHYDROGENASE DEFICIENCY; GLYCERIC ACIDURIA; GLYOXYLATE REDUCTASE/HYDROXYPYRUVATE REDUCTASE DEFICIENCY. Identifiers: Orphanet 416, Orphanet 93599, MedGen C0268165, MONDO:0009824, OMIM 260000. Disease mechanism: loss of function.

Submissions (2):

Natera, Inc.
Classification: Likely pathogenic for Primary hyperoxaluria type II. Last evaluated: 2024-12-15. Review status: criteria provided, single submitter. Criteria: Natera Variant Classification Schema (03/2026). Collection method: clinical testing. Allele origin: germline.
Comment: The c.277del variant in GRHPR is a frameshift variant predicted to shift the reading frame beginning at codon 93 and leads to a stop codon 15 codons downstream. This variant is expected to result in nonsense mediated decay, truncation, or a dysfunctional protein product. This variant is rare in the general population with a frequency below the threshold expected for the associated phenotype(s). Given the available evidence, this variant is classified as Likely Pathogenic.

Labcorp Genetics (formerly Invitae), Labcorp
Classification: Pathogenic. Last evaluated: 2022-03-22. Review status: criteria provided, single submitter. Criteria: Invitae Variant Classification Sherloc (09022015). Collection method: clinical testing. Allele origin: germline.
Comment: For these reasons, this variant has been classified as Pathogenic. This variant has not been reported in the literature in individuals affected with GRHPR-related conditions. This variant is not present in population databases (gnomAD no frequency). This sequence change creates a premature translational stop signal (p.Ile93Serfs*15) in the GRHPR gene. It is expected to result in an absent or disrupted protein product. Loss-of-function variants in GRHPR are known to be pathogenic (PMID: 25644115).

Literature cited by the submitters: PubMed 25644115 (cited by Labcorp Genetics (formerly Invitae), Labcorp).

NM_012203.2(GRHPR):c.277del (p.Ile93fs)

Gene: GRHPR (glyoxylate and hydroxypyruvate reductase; plus strand). Cytogenetic location: 9p13.2.
Variant type: Deletion.
Coding change: c.277del on transcript NM_012203.2 (MANE Select); coding-DNA position 277, one base deleted (A; older notation c.277delA).
Protein change: p.Ile93fs; shifts the reading frame from isoleucine 93.
Molecular consequence: frameshift variant.
Genome position (GRCh38, 1-based): chr9:37,425,984, A deleted; the last of 3 consecutive A bases (chr9:37,425,982-37,425,984); deleting any one gives the same sequence. VCF-style (leftmost placement, unchanged base first): chr9-37425981-GA-G. GRCh37 (hg19) VCF-style: chr9-37425978-GA-G.
Other names: c.277del (NM_012203.1); short protein forms I93fs.
Identifiers: ClinVar variation 1447096 (VCV001447096.7), dbSNP rs2118863170, ClinGen allele CA2573144558.